The following is an entry in ClinVar:

NM_002470.4(MYH3):c.495C>A (p.Phe165Leu)

Gene: MYH3 (myosin heavy chain 3; minus strand). Cytogenetic location: 17p13.1.
Variant type: single nucleotide variant.
Coding change: c.495C>A on transcript NM_002470.4 (MANE Select); coding-DNA position 495, C replaced by A.
Protein change: p.Phe165Leu; replaces phenylalanine 165 with leucine.
Molecular consequence: missense variant.
Genome position (GRCh38, 1-based): chr17:10,651,522, G>T on the plus strand (C>A on the coding strand, the complement: MYH3 is on the minus strand). VCF-style: chr17-10651522-G-T. GRCh37 (hg19) VCF-style: chr17-10554839-G-T.
Other names: short protein forms F165L.
Identifiers: ClinVar variation 3702434 (VCV003702434.2).

ClinVar aggregate classification (germline): Uncertain significance (1 of 4 stars; one submission).

gnomAD v4.1: 2 of 1,613,666 alleles (0.00012%); highest among the groups gnomAD compares: Middle Eastern, 0.034%; no homozygotes.

Submission:

Labcorp Genetics (formerly Invitae), Labcorp
Classification: Uncertain significance. Last evaluated: 2025-01-20. Review status: criteria provided, single submitter. Criteria: Invitae Variant Classification Sherloc (09022015). Collection method: clinical testing. Allele origin: germline.
Comment: This sequence change replaces phenylalanine, which is neutral and non-polar, with leucine, which is neutral and non-polar, at codon 165 of the MYH3 protein (p.Phe165Leu). This variant is not present in population databases (gnomAD no frequency). This variant has not been reported in the literature in individuals affected with MYH3-related conditions. Invitae Evidence Modeling of protein sequence and biophysical properties (such as structural, functional, and spatial information, amino acid conservation, physicochemical variation, residue mobility, and thermodynamic stability) indicates that this missense variant is not expected to disrupt MYH3 protein function with a negative predictive value of 95%. In summary, the available evidence is currently insufficient to determine the role of this variant in disease. Therefore, it has been classified as a Variant of Uncertain Significance.